The following is an entry in ClinVar:

NM_002055.5(GFAP):c.496G>C (p.Glu166Gln)

Gene: GFAP (glial fibrillary acidic protein; minus strand). Cytogenetic location: 17q21.31.
Variant type: single nucleotide variant.
Coding change: c.496G>C on transcript NM_002055.5 (MANE Select); coding-DNA position 496, G replaced by C.
Protein change: p.Glu166Gln; replaces glutamic acid 166 with glutamine.
Molecular consequence: missense variant.
Genome position (GRCh38, 1-based): chr17:44,914,054, C>G on the plus strand (G>C on the coding strand, the complement: GFAP is on the minus strand). VCF-style: chr17-44914054-C-G. GRCh37 (hg19) VCF-style: chr17-42991422-C-G.
Other names: c.496G>C, p.Glu166Gln (NM_001131019.3, NM_001242376.3, NM_001363846.2); short protein forms E166Q.
Identifiers: ClinVar variation 3634716 (VCV003634716.2).

ClinVar aggregate classification (germline): Uncertain significance (1 of 4 stars; one submission).

Submission:

Labcorp Genetics (formerly Invitae), Labcorp
Classification: Uncertain significance. Last evaluated: 2024-05-06. Review status: criteria provided, single submitter. Criteria: Invitae Variant Classification Sherloc (09022015). Collection method: clinical testing. Allele origin: germline.
Comment: This sequence change replaces glutamic acid, which is acidic and polar, with glutamine, which is neutral and polar, at codon 166 of the GFAP protein (p.Glu166Gln). This variant is not present in population databases (gnomAD no frequency). This variant has not been reported in the literature in individuals affected with GFAP-related conditions. Advanced modeling of protein sequence and biophysical properties (such as structural, functional, and spatial information, amino acid conservation, physicochemical variation, residue mobility, and thermodynamic stability) has been performed at Invitae for this missense variant, however the output from this modeling did not meet the statistical confidence thresholds required to predict the impact of this variant on GFAP protein function. In summary, the available evidence is currently insufficient to determine the role of this variant in disease. Therefore, it has been classified as a Variant of Uncertain Significance.